The following is an entry in ClinVar:

NM_001148.6(ANK2):c.5363C>T (p.Pro1788Leu)

Genes: ANK2 (ankyrin 2; plus strand), LOC126807136 (MED14-independent group 3 enhancer GRCh37_chr4:114274931-114276130; plus strand). Cytogenetic location: 4q26.
Variant type: single nucleotide variant.
Coding change: c.5363C>T on transcript NM_001148.6 (MANE Select); coding-DNA position 5363, C replaced by T.
Protein change: p.Pro1788Leu; replaces proline 1788 with leucine.
Molecular consequence: missense variant. On other transcripts: intron variant (68).
Genome position (GRCh38, 1-based): chr4:113,353,981, C>T. VCF-style: chr4-113353981-C-T. GRCh37 (hg19) VCF-style: chr4-114275137-C-T.
Other names: c.4363+3732C>T (NM_001354255.2, NM_001386143.1, NM_001354243.2); c.4264+3732C>T (NM_001354262.2, NM_001354275.2, NM_001354245.2); c.4201+3732C>T (NM_001354253.2, NM_001354270.2); c.4165+3732C>T (NM_001354257.2, NM_001386156.1); c.4240+3732C>T (NM_001354249.2, NM_001354266.2, NM_001354276.2 and 2 more transcripts); c.4207+3732C>T (NM_001386146.1, NM_001386150.1, NM_001386149.1 and 1 more transcripts); c.4192+3732C>T (NM_001354274.2, NM_001386154.1); c.4360+3732C>T (NM_001354256.2, NM_001386161.1, NM_001354244.2); and 35 more; short protein forms P1710L, P1788L, P1827L, P1835L, P588L.
Identifiers: ClinVar variation 4613558 (VCV004613558.1).

ClinVar aggregate classification (germline): Uncertain significance (1 of 4 stars; one submission).

Conditions:
Cardiovascular phenotype. Identifiers: MedGen CN230736.

gnomAD v4.1: 1 of 1,613,954 alleles (0.000062%); highest among the groups gnomAD compares: East Asian, 0.0022%; no homozygotes.

Submission:

Ambry Genetics
Classification: Uncertain significance for Cardiovascular phenotype. Last evaluated: 2025-11-02. Review status: criteria provided, single submitter. Criteria: Ambry Variant Classification Scheme 2023. Collection method: clinical testing. Allele origin: germline.
Comment: The p.P1788L variant (also known as c.5363C>T), located in coding exon 38 of the ANK2 gene, results from a C to T substitution at nucleotide position 5363. The proline at codon 1788 is replaced by leucine, an amino acid with similar properties. This amino acid position is conserved. In addition, the in silico prediction for this alteration is inconclusive. Based on the available evidence, the clinical significance of this variant remains unclear.